The following is an entry in ClinVar:

NM_000257.4(MYH7):c.2855G>C (p.Arg952Thr)

Gene: MYH7 (myosin heavy chain 7; minus strand). Cytogenetic location: 14q11.2.
Variant type: single nucleotide variant.
Coding change: c.2855G>C on transcript NM_000257.4 (MANE Select); coding-DNA position 2855, G replaced by C.
Protein change: p.Arg952Thr; replaces arginine 952 with threonine.
Molecular consequence: missense variant.
Genome position (GRCh38, 1-based): chr14:23,423,974, C>G on the plus strand (G>C on the coding strand, the complement: MYH7 is on the minus strand). VCF-style: chr14-23423974-C-G. GRCh37 (hg19) VCF-style: chr14-23893183-C-G.
Other names: c.2855G>C (LRG_384t1); short protein forms R952T.
Identifiers: ClinVar variation 626819 (VCV000626819.10), dbSNP rs1446444428, ClinGen allele CA389046811.

ClinVar aggregate classification (germline): Uncertain significance. Review status: criteria provided, multiple submitters, no conflicts (2 of 4 stars). 7 submissions from 7 submitters: Uncertain significance (7). Last evaluated 2025-12-20.

Conditions:
Cardiovascular phenotype. Identifiers: MedGen CN230736.
Cardiomyopathy (CMYO). Also called: Cardiomyopathies. Identifiers: Orphanet 167848, MedGen C0878544, MONDO:0004994, HP:0001638. Inheritance: Various modes of inheritance.
Hypertrophic cardiomyopathy. Also called: HYPERTROPHIC MYOCARDIOPATHY. Identifiers: Orphanet 217569, MedGen C0007194, MeSH D002312, MONDO:0005045, HP:0001639.

Allele frequency attached by ClinVar (database versions not stated): gnomAD 0.00001; gnomAD exomes 0.00001; TOPMed 0.00001.
gnomAD v4.1: 12 of 1,614,122 alleles (0.00074%); highest among the groups gnomAD compares: Non-Finnish European, 0.001%; no homozygotes.

Submissions (7):

Labcorp Genetics (formerly Invitae), Labcorp
Classification: Uncertain significance for Hypertrophic cardiomyopathy. Last evaluated: 2025-12-20. Review status: criteria provided, single submitter. Criteria: Invitae Variant Classification Sherloc (09022015). Collection method: clinical testing. Allele origin: germline.
Comment: This sequence change replaces arginine, which is basic and polar, with threonine, which is neutral and polar, at codon 952 of the MYH7 protein (p.Arg952Thr). This variant is present in population databases (no rsID available, gnomAD 0.002%). This missense change has been observed in individual(s) with MYH7-related conditions (PMID: 30731207). ClinVar contains an entry for this variant (Variation ID: 626819). Invitae Evidence Modeling of protein sequence and biophysical properties (such as structural, functional, and spatial information, amino acid conservation, physicochemical variation, residue mobility, and thermodynamic stability) indicates that this missense variant is not expected to disrupt MYH7 protein function with a negative predictive value of 95%. In summary, the available evidence is currently insufficient to determine the role of this variant in disease. Therefore, it has been classified as a Variant of Uncertain Significance.

Color Diagnostics, LLC DBA Color Health
Classification: Uncertain significance for Cardiomyopathy. Last evaluated: 2025-01-13. Review status: criteria provided, single submitter. Criteria: ACMG Guidelines, 2015. Collection method: clinical testing. Allele origin: germline.
Comment: This missense variant replaces arginine with threonine at codon 952 of the MYH7 protein. Computational prediction suggests that this variant may not impact protein structure and function. To our knowledge, functional studies have not been reported for this variant. This variant has been reported in an individual affected with cardiomyopathy (PMID: 30731207). This variant has been identified in 2/251488 chromosomes in the general population by the Genome Aggregation Database (gnomAD). The available evidence is insufficient to determine the role of this variant in disease conclusively. Therefore, this variant is classified as a Variant of Uncertain Significance.

Ambry Genetics
Classification: Uncertain significance for Cardiovascular phenotype. Last evaluated: 2024-11-08. Review status: criteria provided, single submitter. Criteria: Ambry Variant Classification Scheme 2023. Collection method: clinical testing. Allele origin: germline.
Comment: The p.R952T variant (also known as c.2855G>C), located in coding exon 21 of the MYH7 gene, results from a G to C substitution at nucleotide position 2855. The arginine at codon 952 is replaced by threonine, an amino acid with similar properties. This variant has been reported in an individual(s) in a cardiomyopathy cohort, but clinical details were limited (Daoud H et al. J Mol Diagn, 2019 May;21:437-448). This amino acid position is not well conserved in available vertebrate species. In addition, this alteration is predicted to be tolerated by in silico analysis. Based on the available evidence, the clinical significance of this variant remains unclear.

All of Us Research Program, National Institutes of Health
Classification: Uncertain significance for Cardiomyopathy. Last evaluated: 2023-11-30. Review status: criteria provided, single submitter. Criteria: ACMG Guidelines, 2015. Collection method: clinical testing. Allele origin: germline. Inheritance: Autosomal dominant inheritance. Observed: 3 variant alleles, 3 heterozygotes.
Comment: This study involves interpretation of variants in research participants for the purpose of population health screening. Participant phenotype was not available at the time of variant classification. Additional details can be found in publication PMID: 35346344, PMCID: PMC8962531

Revvity Omics, Revvity
Classification: Uncertain significance. Last evaluated: 2023-06-14. Review status: criteria provided, single submitter. Criteria: ACMG Guidelines, 2015. Collection method: clinical testing. Allele origin: germline.

Blueprint Genetics
Classification: Uncertain significance. Last evaluated: 2022-12-02. Review status: criteria provided, single submitter. Criteria: ACMG Guidelines, 2015. Collection method: clinical testing. Allele origin: germline.

CHEO Genetics Diagnostic Laboratory, Children's Hospital of Eastern Ontario
Classification: Uncertain significance for Cardiomyopathy. Last evaluated: 2016-12-07. Review status: criteria provided, single submitter. Criteria: ACMG Guidelines, 2015. Collection method: clinical testing. Allele origin: germline. Study: Canadian Open Genetics Repository.

Literature cited by the submitters: PubMed 30731207 (cited by 3 submitters); PubMed 22958901 (cited by Ambry Genetics).